The following is an entry in ClinVar:

ClinVar aggregate classification (germline): Likely benign. Review status: reviewed by expert panel (3 of 4 stars). 10 submissions from 10 submitters: Likely benign (1). 9 of the submissions do not count toward it. Last evaluated 2017-06-29.

Conditions:
BRCA2-related disorder. Also called: BRCA2-related condition; BRCA2-related disorders. Identifiers: MedGen CN239275.
Hereditary cancer-predisposing syndrome. Also called: Hereditary Cancer Syndrome; Tumor predisposition; Hereditary neoplastic syndrome; Neoplastic Syndromes, Hereditary. Identifiers: Orphanet 140162, MedGen C0027672, MeSH D009386, MONDO:0015356.
Hereditary breast ovarian cancer syndrome. Also called: Hereditary breast and/or ovarian cancer syndrome; Breast and ovarian cancer; BRCA1- and BRCA2-Associated Hereditary Breast and Ovarian Cancer; Hereditary breast and ovarian cancer syndrome (HBOC); Hereditary breast and ovarian cancer syndrome; Hereditary breast and ovarian cancer. Identifiers: Orphanet 145, MedGen C0677776, MeSH D061325, MONDO:0003582. Disease mechanism: loss of function.
Breast-ovarian cancer, familial, susceptibility to, 2 (BROVCA2). Also called: BRCA2 Hereditary Breast and Ovarian Cancer. Identifiers: Orphanet 145, MedGen C2675520, MONDO:0012933, OMIM 612555. Disease mechanism: loss of function.

gnomAD v4.1: 22 of 1,613,540 alleles (0.0014%); highest among the groups gnomAD compares: Admixed American, 0.0017%; no homozygotes.

Submissions (11):

Evidence-based Network for the Interpretation of Germline Mutant Alleles (ENIGMA)
Classification: Likely benign for Breast-ovarian cancer, familial, susceptibility to, 2. Last evaluated: 2017-06-29. Review status: reviewed by expert panel. Criteria: ENIGMA BRCA1/2 Classification Criteria (2017-06-29). Collection method: curation. Allele origin: germline.
Comment: Synonymous substitution variant, with low bioinformatic likelihood to result in a splicing aberration (Splicing prior probability 0.02).

Labcorp Genetics (formerly Invitae), Labcorp
Classification: Likely benign for Hereditary breast ovarian cancer syndrome. Last evaluated: 2025-12-09. Review status: criteria provided, single submitter. Criteria: Invitae Variant Classification Sherloc (09022015). Collection method: clinical testing. Allele origin: germline. Not counted in ClinVar's aggregate classification.

PreventionGenetics, part of Exact Sciences
Classification: Likely benign for BRCA2-related condition. Last evaluated: 2025-02-26. Review status: criteria provided, single submitter. Criteria: ACMG Guidelines, 2015. Collection method: clinical testing. Allele origin: germline. Not counted in ClinVar's aggregate classification.
Comment: This variant is classified as likely benign based on ACMG/AMP sequence variant interpretation guidelines (Richards et al. 2015 PMID: 25741868, with internal and published modifications).

All of Us Research Program, National Institutes of Health
Classification: Likely benign for Breast-ovarian cancer, familial, susceptibility to, 2. Last evaluated: 2023-12-13. Review status: criteria provided, single submitter. Criteria: ACMG Guidelines, 2015. Collection method: clinical testing. Allele origin: germline. Inheritance: Autosomal dominant inheritance. Observed: 5 variant alleles, 5 heterozygotes. Not counted in ClinVar's aggregate classification.
Comment: This study involves interpretation of variants in research participants for the purpose of population health screening. Participant phenotype was not available at the time of variant classification. Additional details can be found in publication PMID: 35346344, PMCID: PMC8962531

Women's Health and Genetics/Laboratory Corporation of America, LabCorp
Classification: Likely benign. Last evaluated: 2022-03-24. Review status: criteria provided, single submitter. Criteria: LabCorp Variant Classification Summary - May 2015. Collection method: clinical testing. Allele origin: germline. Not counted in ClinVar's aggregate classification.

Blueprint Genetics
Classification: Likely benign. Last evaluated: 2020-10-20. Review status: criteria provided, single submitter. Criteria: ACMG Guidelines, 2015. Collection method: clinical testing. Allele origin: germline. Not counted in ClinVar's aggregate classification.

GeneDx
Classification: Likely benign. Last evaluated: 2018-09-07. Review status: criteria provided, single submitter. Criteria: GeneDx Variant Classification Process June 2021. Collection method: clinical testing. Allele origin: germline. Affected: yes. Not counted in ClinVar's aggregate classification.
Comment: This variant is associated with the following publications: (PMID: 25085752, 23315985)

Color Diagnostics, LLC DBA Color Health
Classification: Likely benign for Hereditary cancer-predisposing syndrome. Last evaluated: 2017-09-22. Review status: criteria provided, single submitter. Criteria: ACMG Guidelines, 2015. Collection method: clinical testing. Allele origin: germline. Not counted in ClinVar's aggregate classification.

ARUP Laboratories, Molecular Genetics and Genomics, ARUP Laboratories
Classification: Likely benign. Last evaluated: 2017-05-05. Review status: criteria provided, single submitter. Criteria: ARUP Molecular Germline Variant Investigation Process. Collection method: clinical testing. Allele origin: germline. Not counted in ClinVar's aggregate classification.
Comment: The BRCA2 c.7242A>T; p.Ser2414Ser variant has not been reported in the literature or gene-specific variant databases. It is observed in the general population databases (rs1799955) at a frequency of 0.001 percent (3/276966 alleles; Genome Aggregation Database). This is a synonymous change, the nucleotide is not well conserved, and computational algorithms (SpliceSiteFinder-like, MaxEntScan, NNSplice, GeneSplicer, HumanSplicingFinder) do not predict this variant to significantly impact splicing. Taken together, this variant is considered likely benign.

Ambry Genetics
Classification: Likely benign for Hereditary cancer-predisposing syndrome. Last evaluated: 2015-10-27. Review status: criteria provided, single submitter. Criteria: Ambry Variant Classification Scheme 2023. Collection method: clinical testing. Allele origin: germline. Not counted in ClinVar's aggregate classification.

Dr. Peter K. Rogan Lab, Western University
No classification provided (evidence only). Condition: Thyroid cancer, nonmedullary, 1. Review status: no classification provided. Collection method: in vitro. Allele origin: not applicable. Functional consequence: retained intron. Not counted in ClinVar's aggregate classification.

NM_000059.4(BRCA2):c.7242A>T (p.Ser2414=)

Gene: BRCA2 (BRCA2 DNA repair associated; plus strand). Cytogenetic location: 13q13.1.
Variant type: single nucleotide variant.
Coding change: c.7242A>T on transcript NM_000059.4 (MANE Select); coding-DNA position 7242, A replaced by T.
Protein change: p.Ser2414=; no amino-acid change (serine 2414 retained).
Molecular consequence: synonymous variant.
Genome position (GRCh38, 1-based): chr13:32,355,095, A>T. VCF-style: chr13-32355095-A-T. GRCh37 (hg19) VCF-style: chr13-32929232-A-T.
Identifiers: ClinVar variation 427551 (VCV000427551.32), dbSNP rs1799955, ClinGen allele CA6941073.